The following is an entry in ClinVar:

NM_000352.6(ABCC8):c.2042T>C (p.Ile681Thr)

Gene: ABCC8 (ATP binding cassette subfamily C member 8; minus strand). Cytogenetic location: 11p15.1.
Variant type: single nucleotide variant.
Coding change: c.2042T>C on transcript NM_000352.6 (MANE Select); coding-DNA position 2042, T replaced by C.
Protein change: p.Ile681Thr; replaces isoleucine 681 with threonine.
Molecular consequence: missense variant. On other transcripts: non-coding transcript variant (1).
Genome position (GRCh38, 1-based): chr11:17,427,941, A>G on the plus strand (T>C on the coding strand, the complement: ABCC8 is on the minus strand). VCF-style: chr11-17427941-A-G. GRCh37 (hg19) VCF-style: chr11-17449488-A-G.
Other names: c.2042T>C (NM_000352.4); c.2042T>C, p.Ile681Thr (NM_001287174.3); c.2108T>C, p.Ile703Thr (NM_001351295.2); c.2039T>C, p.Ile680Thr (NM_001351296.2, NM_001351297.2); short protein forms I680T, I681T, I703T.
Identifiers: ClinVar variation 3339600 (VCV003339600.4).

ClinVar aggregate classification (germline): Uncertain significance. Review status: criteria provided, multiple submitters, no conflicts (2 of 4 stars). 3 submissions from 3 submitters: Uncertain significance (2). 1 of the submissions does not count toward it. Last evaluated 2024-06-11.

Conditions:
ABCC8-related disorder.

gnomAD v4.1: 4 of 1,613,600 alleles (0.00025%); highest among the groups gnomAD compares: African/African-American, 0.0027%; no homozygotes.

Submissions (3):

Women's Health and Genetics/Laboratory Corporation of America, LabCorp
Classification: Uncertain significance. Last evaluated: 2024-06-11. Review status: criteria provided, single submitter. Criteria: LabCorp Variant Classification Summary - May 2015. Collection method: clinical testing. Allele origin: germline.
Comment: Variant summary: ABCC8 c.2042T>C (p.Ile681Thr) results in a non-conservative amino acid change located in the ABC transporter-like, ATP-binding domain (IPR003439) of the encoded protein sequence. Five of five in-silico tools predict a damaging effect of the variant on protein function. Consensus agreement among computation tools predict no significant impact on normal splicing. However, these predictions have yet to be confirmed by functional studies. The variant allele was found at a frequency of 8e-06 in 250156 control chromosomes. The available data on variant occurrences in the general population are insufficient to allow any conclusion about variant significance. To our knowledge, no occurrence of c.2042T>C in individuals affected with ABCC8-related conditions and no experimental evidence demonstrating its impact on protein function have been reported. No submitters have cited clinical-significance assessments for this variant to ClinVar. Based on the evidence outlined above, the variant was classified as uncertain significance.

Labcorp Genetics (formerly Invitae), Labcorp
Classification: Uncertain significance. Last evaluated: 2024-04-13. Review status: criteria provided, single submitter. Criteria: Invitae Variant Classification Sherloc (09022015). Collection method: clinical testing. Allele origin: germline.
Comment: This sequence change replaces isoleucine, which is neutral and non-polar, with threonine, which is neutral and polar, at codon 681 of the ABCC8 protein (p.Ile681Thr). This variant is present in population databases (rs137984699, gnomAD 0.007%). This variant has not been reported in the literature in individuals affected with ABCC8-related conditions. An algorithm developed to predict the effect of missense changes on protein structure and function (PolyPhen-2) suggests that this variant is likely to be tolerated. In summary, the available evidence is currently insufficient to determine the role of this variant in disease. Therefore, it has been classified as a Variant of Uncertain Significance.

PreventionGenetics, part of Exact Sciences
Classification: Uncertain significance for ABCC8-related condition. Last evaluated: 2024-07-09. Review status: no assertion criteria provided. Collection method: clinical testing. Allele origin: germline. Not counted in ClinVar's aggregate classification.
Comment: The ABCC8 c.2042T>C variant is predicted to result in the amino acid substitution p.Ile681Thr. To our knowledge, this variant has not been reported in the literature. This variant is reported in 0.012% of alleles in individuals of African descent in gnomAD. At this time, the clinical significance of this variant is uncertain due to the absence of conclusive functional and genetic evidence.